The following is an entry in ClinVar:

ClinVar aggregate classification (germline): Uncertain significance (1 of 4 stars; one submission).

Submission:

CeGaT Center for Human Genetics Tuebingen
Classification: Uncertain significance. Last evaluated: 2023-08-01. Review status: criteria provided, single submitter. Criteria: CeGaT Center For Human Genetics Tuebingen Variant Classification Criteria Version 2. Collection method: clinical testing. Allele origin: germline. Affected: yes. Observed: 1 variant allele.
Comment: TTN: PM2

NM_001267550.2(TTN):c.38510C>T (p.Ala12837Val)

Gene: TTN (titin; minus strand). Cytogenetic location: 2q31.2.
Variant type: single nucleotide variant.
Coding change: c.38510C>T on transcript NM_001267550.2 (MANE Select); coding-DNA position 38510, C replaced by T.
Protein change: p.Ala12837Val; replaces alanine 12837 with valine.
Molecular consequence: missense variant. On other transcripts: intron variant (5).
Genome position (GRCh38, 1-based): chr2:178,653,852, G>A on the plus strand (C>T on the coding strand, the complement: TTN is on the minus strand). VCF-style: chr2-178653852-G-A. GRCh37 (hg19) VCF-style: chr2-179518579-G-A.
Other names: c.13283-11535C>T (NM_003319.4); c.13859-11535C>T (NM_133437.4); c.13658-11535C>T (NM_133432.3); c.31742-1311C>T (NM_133378.4); c.34523-1311C>T (NM_001256850.1); short protein forms A12837V.
Identifiers: ClinVar variation 2651655 (VCV002651655.24), dbSNP rs2472530031, ClinGen allele CA349471371.